The following is an entry in ClinVar:

ClinVar aggregate classification (germline): Pathogenic. Review status: criteria provided, multiple submitters, no conflicts (2 of 4 stars). 3 submissions from 3 submitters: Pathogenic (3). Last evaluated 2024-09-01.

Conditions:
Autosomal recessive limb-girdle muscular dystrophy type 2B (LGMDR2). Also called: MUSCULAR DYSTROPHY, LIMB-GIRDLE, AUTOSOMAL RECESSIVE 2; Limb-Girdle Muscular Dystrophy Type 2B (LGMD2B); MUSCULAR DYSTROPHY, LIMB-GIRDLE, TYPE 3; Limb-girdle muscular dystrophy, type 2B. Identifiers: Orphanet 268, MedGen C1850889, MONDO:0009676, OMIM 253601.
Charcot-Marie-Tooth disease type 2. Also called: Charcot-Marie-Tooth type 2. Identifiers: Orphanet 64746, MedGen C0270914, MONDO:0018993.

Submissions (3):

Dasa
Classification: Pathogenic. Last evaluated: 2024-09-01. Review status: criteria provided, single submitter. Criteria: DASA Assertion Criteria. Collection method: clinical testing. Allele origin: germline.
Comment: NM_170707.4(LMNA):c.550C>T (p.Gln184*) introduces a premature termination codon predicted to result in loss of normal protein function. Loss-of-function is an established mechanism of disease for this gene. This variant has been reported in individuals with related phenotype (PMID: 31263448). Based on the available data, this variant is classified as pathogenic.

Labcorp Genetics (formerly Invitae), Labcorp
Classification: Pathogenic for Charcot-Marie-Tooth disease type 2. Last evaluated: 2022-05-08. Review status: criteria provided, single submitter. Criteria: Invitae Variant Classification Sherloc (09022015). Collection method: clinical testing. Allele origin: germline.
Comment: For these reasons, this variant has been classified as Pathogenic. ClinVar contains an entry for this variant (Variation ID: 932950). This premature translational stop signal has been observed in individual(s) with clinical features of LMNA-related conditions (PMID: 31263448). This variant is not present in population databases (gnomAD no frequency). This sequence change creates a premature translational stop signal (p.Gln184*) in the LMNA gene. It is expected to result in an absent or disrupted protein product. Loss-of-function variants in LMNA are known to be pathogenic (PMID: 18585512, 18926329).

Laboratory of Medical Genetics, Tor Vergata University
Classification: Pathogenic for Autosomal recessive limb-girdle muscular dystrophy type 2B. Last evaluated: 2019-02-15. Review status: criteria provided, single submitter. Criteria: ACMG Guidelines, 2015. Collection method: case-control. Allele origin: germline. Affected: yes. Observed: 2 variant alleles, 2 heterozygotes.
Comment: The variant in LMNA may be associated with cardiovascular pathology (bradycardia and syncopal episodes).

Literature cited by the submitters: PubMed 31263448 (cited by 3 submitters); PubMed 18585512 (cited by Labcorp Genetics (formerly Invitae), Labcorp); PubMed 18926329 (cited by Labcorp Genetics (formerly Invitae), Labcorp).

NM_170707.4(LMNA):c.550C>T (p.Gln184Ter)

Gene: LMNA (lamin A/C; plus strand). Cytogenetic location: 1q22.
Variant type: single nucleotide variant.
Coding change: c.550C>T on transcript NM_170707.4 (MANE Select); coding-DNA position 550, C replaced by T.
Protein change: p.Gln184Ter; replaces glutamine 184 with a stop codon.
Molecular consequence: nonsense.
Genome position (GRCh38, 1-based): chr1:156,134,439, C>T. VCF-style: chr1-156134439-C-T. GRCh37 (hg19) VCF-style: chr1-156104230-C-T.
Other names: c.214C>T, p.Gln72Ter (NM_001257374.3); c.307C>T, p.Gln103Ter (NM_001282624.2); c.550C>T, p.Gln184Ter (NM_001282625.2, NM_001282626.2, NM_005572.4 and 1 more transcripts); short protein forms Q103*, Q184*, Q72*.
Identifiers: ClinVar variation 932950 (VCV000932950.11), dbSNP rs1651341099, ClinGen allele CA342816797.
Genomic context (GRCh38, chr1:156,134,439, plus strand): 5'-TCATCTCTGCCTGCTTCCTCACAGCTTGAGGCAGCCCTAGGTGAGGCCAAGAAGCAACTT[C>T]AGGATGAGATGCTGCGGCGGGTGGATGCTGAGAACAGGCTGCAGACCATGAAGGAGGAAC-3'